The following is an entry in ClinVar:

ClinVar aggregate classification (germline): Uncertain significance/Uncertain risk allele. Review status: criteria provided, multiple submitters, no conflicts (2 of 4 stars). 2 submissions from 2 submitters: Uncertain significance (1); Uncertain risk allele (1). Last evaluated 2018-09-12.

Conditions:
Wolfram syndrome 1 (WFS1). Identifiers: Orphanet 3463, MedGen C4551693, MONDO:0009101, OMIM 222300.

Submissions (2):

Athena Diagnostics
Classification: Uncertain significance. Last evaluated: 2018-09-12. Review status: criteria provided, single submitter. Criteria: Athena Diagnostics Criteria. Collection method: clinical testing. Allele origin: germline.

Clinical Genomics, Uppaluri K&H Personalized Medicine Clinic
Classification: Uncertain risk allele for Wolfram syndrome 1. Review status: criteria provided, single submitter. Criteria: K & H Uppaluri Personalized Medicine Clinic Variant Classification & Assertion Criteria_Updated V.1. Collection method: research. Allele origin: unknown. Inheritance: Autosomal recessive inheritance.
Comment: Potent mutations in WFS1 gene are associated with Wolfram's syndrome, an autosomal recessive condition, which cause diabetes mellitus, diabetes insipidus, deafness and optic atrophy.However no sufficient evidence is found to ascertain the role of this particular variant rs1578609065 in Wolfram's syndrome yet.

Literature cited by the submitters: PubMed 20738327 (cited by Clinical Genomics, Uppaluri K&H Personalized Medicine Clinic); PubMed 33879153 (cited by Clinical Genomics, Uppaluri K&H Personalized Medicine Clinic); PubMed 12955714 (cited by Clinical Genomics, Uppaluri K&H Personalized Medicine Clinic); PubMed 18060660 (cited by Clinical Genomics, Uppaluri K&H Personalized Medicine Clinic); PubMed 20301750 (cited by Clinical Genomics, Uppaluri K&H Personalized Medicine Clinic); PubMed 17603484 (cited by Clinical Genomics, Uppaluri K&H Personalized Medicine Clinic).

NM_006005.3(WFS1):c.1162C>G (p.Leu388Val)

Gene: WFS1 (wolframin ER transmembrane glycoprotein; plus strand). Cytogenetic location: 4p16.1.
Variant type: single nucleotide variant.
Coding change: c.1162C>G on transcript NM_006005.3 (MANE Select); coding-DNA position 1162, C replaced by G.
Protein change: p.Leu388Val; replaces leucine 388 with valine.
Molecular consequence: missense variant.
Genome position (GRCh38, 1-based): chr4:6,300,957, C>G. VCF-style: chr4-6300957-C-G. GRCh37 (hg19) VCF-style: chr4-6302684-C-G.
Other names: c.1162C>G, p.Leu388Val (NM_001145853.1); short protein forms L388V.
Identifiers: ClinVar variation 805751 (VCV000805751.2), dbSNP rs1578609065, ClinGen allele CA356174373.